The following is an entry in ClinVar:

NM_005215.4(DCC):c.698-7C>T

Gene: DCC (DCC netrin 1 receptor; plus strand). Cytogenetic location: 18q21.2.
Variant type: single nucleotide variant.
Coding change: c.698-7C>T on transcript NM_005215.4 (MANE Select); 7 bases into the intron before coding-DNA position 698, C replaced by T.
Molecular consequence: intron variant.
Genome position (GRCh38, 1-based): chr18:52,923,700, C>T. VCF-style: chr18-52923700-C-T. GRCh37 (hg19) VCF-style: chr18-50450070-C-T.
Identifiers: ClinVar variation 3352573 (VCV003352573.1).

ClinVar aggregate classification (germline): Likely benign (0 of 4 stars; one submission).

Conditions:
DCC-related disorder. Also called: DCC-related condition.

gnomAD v4.1: 97 of 1,596,172 alleles (0.0061%); highest among the groups gnomAD compares: African/African-American, 0.02%; no homozygotes.

Submission:

PreventionGenetics, part of Exact Sciences
Classification: Likely benign for DCC-related condition. Last evaluated: 2019-05-08. Review status: no assertion criteria provided. Collection method: clinical testing. Allele origin: germline.
Comment: This variant is classified as likely benign based on ACMG/AMP sequence variant interpretation guidelines (Richards et al. 2015 PMID: 25741868, with internal and published modifications).